The following is an entry in ClinVar:

ClinVar aggregate classification (germline): Pathogenic (1 of 4 stars; one submission).

Conditions:
Hereditary cancer-predisposing syndrome. Also called: Neoplastic Syndromes, Hereditary; Tumor predisposition; Hereditary Cancer Syndrome; Hereditary neoplastic syndrome. Identifiers: Orphanet 140162, MedGen C0027672, MeSH D009386, MONDO:0015356.

Submission:

Ambry Genetics
Classification: Pathogenic for Hereditary cancer-predisposing syndrome. Last evaluated: 2014-12-12. Review status: criteria provided, single submitter. Criteria: Ambry Variant Classification Scheme 2023. Collection method: clinical testing. Allele origin: germline.
Comment: The c.2129delC pathogenic mutation, located in coding exon 13 of the ATM gene, results from a deletion of one nucleotide at nucleotide position 2129, causing a translational frameshift with a predicted alternate stop codon. Since frameshifts are typically deleterious in nature, this alteration is interpreted as a disease-causing mutation (ACMG Recommendations for Standards for Interpretation and Reporting of Sequence Variations. Revision 2007. Genet Med. 2008;10:294).

NM_000051.4(ATM):c.2129del (p.Thr710fs)

Gene: ATM (ATM serine/threonine kinase; plus strand). Cytogenetic location: 11q22.3.
Variant type: Deletion.
Coding change: c.2129del on transcript NM_000051.4 (MANE Select); coding-DNA position 2129, one base deleted (C; older notation c.2129delC).
Protein change: p.Thr710fs; shifts the reading frame from threonine 710.
Molecular consequence: frameshift variant.
Genome position (GRCh38, 1-based): chr11:108,256,219, C deleted. VCF-style (leftmost placement, unchanged base first): chr11-108256218-AC-A. GRCh37 (hg19) VCF-style: chr11-108126945-AC-A.
Other names: c.2129del, p.Thr710fs (NM_001351834.2); c.2129delC (NM_000051.3); short protein forms T710fs.
Identifiers: ClinVar variation 187534 (VCV000187534.5), dbSNP rs786203807, ClinGen allele CA197891.